The following is an entry in ClinVar:

NM_001278716.2(FBXL4):c.1166A>G (p.Asn389Ser)

Gene: FBXL4 (F-box and leucine rich repeat protein 4; minus strand). Cytogenetic location: 6q16.1.
Variant type: single nucleotide variant.
Coding change: c.1166A>G on transcript NM_001278716.2 (MANE Select); coding-DNA position 1166, A replaced by G.
Protein change: p.Asn389Ser; replaces asparagine 389 with serine.
Molecular consequence: missense variant. On other transcripts: non-coding transcript variant (2).
Genome position (GRCh38, 1-based): chr6:98,899,419, T>C on the plus strand (A>G on the coding strand, the complement: FBXL4 is on the minus strand). VCF-style: chr6-98899419-T-C. GRCh37 (hg19) VCF-style: chr6-99347295-T-C.
Other names: c.1166A>G, p.Asn389Ser (NM_012160.5); short protein forms N389S.
Identifiers: ClinVar variation 437706 (VCV000437706.1), dbSNP rs766384678, ClinGen allele CA3933510.

ClinVar aggregate classification (germline): Uncertain significance (1 of 4 stars; one submission).

Conditions:
Mitochondrial DNA depletion syndrome 13. Also called: FBXL4-Related Encephalomyopathic Mitochondrial DNA Depletion Syndrome; Mitochondrial DNA depletion syndrome 13 (encephalomyopathic type). Identifiers: Orphanet 369897, MedGen C3809592, MONDO:0014198, OMIM 615471.

Allele frequency attached by ClinVar (database versions not stated): gnomAD exomes below 0.00001; ExAC 0.00001.
gnomAD v4.1: 1 of 1,613,990 alleles (0.000062%); highest among the groups gnomAD compares: Non-Finnish European, 0.000085%; no homozygotes.

Submission:

Wong Mito Lab, Molecular and Human Genetics, Baylor College of Medicine
Classification: Uncertain significance for Mitochondrial DNA depletion syndrome 13. Last evaluated: 2017-08-10. Review status: criteria provided, single submitter. Criteria: ACMG Guidelines, 2015. Collection method: reference population. Allele origin: germline.
Comment: The NM_012160.4:c.1166A>G (NP_036292.2:p.Asn389Ser) [GRCH38: NC_000006.12:g.98899419T>C] variant in FBXL4 gene is interpretated to be a Uncertain Significance - Insufficient Evidence based on ACMG guidelines (PMID: 25741868). This variant meets one or more of the following evidence codes reported in the ACMG-guideline. PM2:This variant is absent in key population databases. Based on this evidence code ClinGen Pathogenicity Calculator (PMID:28081714) suggested that the variant is Uncertain Significance - Insufficient Evidence.